The following is an entry in ClinVar:

ClinVar aggregate classification (germline): Uncertain significance (1 of 4 stars; one submission).

Allele frequency attached by ClinVar (database versions not stated): ESP Exome Variant Server 0.00023.
gnomAD v4.1: 29 of 1,613,856 alleles (0.0018%); highest among the groups gnomAD compares: Non-Finnish European, 0.0024%; no homozygotes.

Submission:

Labcorp Genetics (formerly Invitae), Labcorp
Classification: Uncertain significance. Last evaluated: 2024-07-10. Review status: criteria provided, single submitter. Criteria: Invitae Variant Classification Sherloc (09022015). Collection method: clinical testing. Allele origin: germline.
Comment: This sequence change replaces valine, which is neutral and non-polar, with phenylalanine, which is neutral and non-polar, at codon 454 of the PNLIP protein (p.Val454Phe). This variant is present in population databases (rs148560679, gnomAD 0.006%). This variant has not been reported in the literature in individuals affected with PNLIP-related conditions. ClinVar contains an entry for this variant (Variation ID: 2187355). An algorithm developed to predict the effect of missense changes on protein structure and function (PolyPhen-2) suggests that this variant is likely to be disruptive. Experimental studies have shown that this missense change affects PNLIP function (PMID: 34373204). In summary, the available evidence is currently insufficient to determine the role of this variant in disease. Therefore, it has been classified as a Variant of Uncertain Significance.

Literature cited by the submitters: PubMed 34373204.

NM_000936.4(PNLIP):c.1360G>T (p.Val454Phe)

Gene: PNLIP (pancreatic lipase; plus strand). Cytogenetic location: 10q25.3.
Variant type: single nucleotide variant.
Coding change: c.1360G>T on transcript NM_000936.4 (MANE Select); coding-DNA position 1360, G replaced by T.
Protein change: p.Val454Phe; replaces valine 454 with phenylalanine.
Molecular consequence: missense variant.
Genome position (GRCh38, 1-based): chr10:116,567,760, G>T. VCF-style: chr10-116567760-G-T. GRCh37 (hg19) VCF-style: chr10-118327272-G-T.
Other names: short protein forms V454F.
Identifiers: ClinVar variation 2187355 (VCV002187355.3), dbSNP rs148560679, ClinGen allele CA5706781.
Genomic context (GRCh38, chr10:116,567,760, plus strand): 5'-AGAGGAGGTGACTTTGTGTTGTTTTTTCTCCACAGGTTCAACTTCTGTAGTCCAGAAACC[G>T]TCAGGGAGGAAGTTCTGCTCACCCTCACACCGTGTTAGGAGACTACTGTTATTTGACCAA-3'
Protein context (NP_000927.1, residues 444-464): KQFNFCSPET[Val454Phe]REEVLLTLTP